The following is an entry in ClinVar:

ClinVar aggregate classification (germline): Uncertain significance. Review status: criteria provided, multiple submitters, no conflicts (2 of 4 stars). 2 submissions from 2 submitters: Uncertain significance (2). Last evaluated 2024-10-30.

Conditions:
Inborn genetic diseases. Identifiers: MedGen C0950123, MeSH D030342.

Allele frequency attached by ClinVar (database versions not stated): gnomAD 0.00001 and 0.00002; gnomAD exomes 0.00001 and 0.00002; ExAC 0.00002.
gnomAD v4.1: 22 of 1,603,844 alleles (0.0014%); highest among the groups gnomAD compares: Middle Eastern, 0.019%; no homozygotes.

Submissions (2):

Labcorp Genetics (formerly Invitae), Labcorp
Classification: Uncertain significance. Last evaluated: 2024-10-30. Review status: criteria provided, single submitter. Criteria: Invitae Variant Classification Sherloc (09022015). Collection method: clinical testing. Allele origin: germline.
Comment: This sequence change replaces arginine, which is basic and polar, with tryptophan, which is neutral and slightly polar, at codon 897 of the OTOF protein (p.Arg897Trp). The frequency data for this variant in the population databases is considered unreliable, as metrics indicate poor data quality at this position in the gnomAD database. This variant has not been reported in the literature in individuals affected with OTOF-related conditions. ClinVar contains an entry for this variant (Variation ID: 1449826). Invitae Evidence Modeling of protein sequence and biophysical properties (such as structural, functional, and spatial information, amino acid conservation, physicochemical variation, residue mobility, and thermodynamic stability) indicates that this missense variant is not expected to disrupt OTOF protein function with a negative predictive value of 95%. In summary, the available evidence is currently insufficient to determine the role of this variant in disease. Therefore, it has been classified as a Variant of Uncertain Significance.

Ambry Genetics
Classification: Uncertain significance for Inborn genetic diseases. Last evaluated: 2022-04-07. Review status: criteria provided, single submitter. Criteria: Ambry Variant Classification Scheme 2023. Collection method: clinical testing. Allele origin: germline.

NM_194248.3(OTOF):c.2689C>T (p.Arg897Trp)

Gene: OTOF (otoferlin; minus strand). Cytogenetic location: 2p23.3.
Variant type: single nucleotide variant.
Coding change: c.2689C>T on transcript NM_194248.3 (MANE Select); coding-DNA position 2689, C replaced by T.
Protein change: p.Arg897Trp; replaces arginine 897 with tryptophan.
Molecular consequence: missense variant.
Genome position (GRCh38, 1-based): chr2:26,476,305, G>A on the plus strand (C>T on the coding strand, the complement: OTOF is on the minus strand). VCF-style: chr2-26476305-G-A. GRCh37 (hg19) VCF-style: chr2-26699173-G-A.
Other names: c.2689C>T, p.Arg897Trp (NM_001287489.2); c.448C>T, p.Arg150Trp (NM_004802.4, NM_194323.3); c.619C>T, p.Arg207Trp (NM_194322.3); c.2689C>T (NM_194248.2); short protein forms R207W, R897W, R150W.
Identifiers: ClinVar variation 1449826 (VCV001449826.7), dbSNP rs768666917, ClinGen allele CA1563796.
Genomic context (GRCh38, chr2:26,476,305, plus strand): 5'-CCAGCCACAGGTACAGCTCCACCTTGGCCTGCACTGTCCAGCCTGCCGAGCCGAAGCCCC[G>A]CTTCCCTGGCAGCTGGGGGTGGGCATGGGGTCACCAGGAGCCTGACGGCTGCCAGGGCCC-3'
Protein context (NP_919224.1, residues 887-907): KTLFLKLPGK[Arg897Trp]GFGSAGWTVQ